The following is an entry in ClinVar:

ClinVar aggregate classification (germline): Likely benign (1 of 4 stars; one submission).

Allele frequency attached by ClinVar (database versions not stated): ESP Exome Variant Server 0.00008; gnomAD 0.00009; TOPMed 0.00011; ExAC 0.00017.
gnomAD v4.1: 195 of 1,614,036 alleles (0.012%); highest among the groups gnomAD compares: Middle Eastern, 0.05%; no homozygotes.

Submission:

CeGaT Center for Human Genetics Tuebingen
Classification: Likely benign. Last evaluated: 2022-12-01. Review status: criteria provided, single submitter. Criteria: CeGaT Center For Human Genetics Tuebingen Variant Classification Criteria Version 2. Collection method: clinical testing. Allele origin: germline. Affected: yes. Observed: 1 variant allele.
Comment: NPR1: BP4, BP7

NM_000906.4(NPR1):c.1620C>T (p.Tyr540=)

Gene: NPR1 (natriuretic peptide receptor 1; plus strand). Cytogenetic location: 1q21.3.
Variant type: single nucleotide variant.
Coding change: c.1620C>T on transcript NM_000906.4 (MANE Select); coding-DNA position 1620, C replaced by T.
Protein change: p.Tyr540=; no amino-acid change (tyrosine 540 retained).
Molecular consequence: synonymous variant.
Genome position (GRCh38, 1-based): chr1:153,685,820, C>T. VCF-style: chr1-153685820-C-T. GRCh37 (hg19) VCF-style: chr1-153658296-C-T.
Identifiers: ClinVar variation 2639350 (VCV002639350.24), dbSNP rs199873680, ClinGen allele CA1118162.